The following is an entry in ClinVar:

NM_000089.4(COL1A2):c.2900G>T (p.Gly967Val)

Gene: COL1A2 (collagen type I alpha 2 chain; plus strand). Cytogenetic location: 7q21.3.
Variant type: single nucleotide variant.
Coding change: c.2900G>T on transcript NM_000089.4 (MANE Select); coding-DNA position 2900, G replaced by T.
Protein change: p.Gly967Val; replaces glycine 967 with valine.
Molecular consequence: missense variant.
Genome position (GRCh38, 1-based): chr7:94,425,814, G>T. VCF-style: chr7-94425814-G-T. GRCh37 (hg19) VCF-style: chr7-94055126-G-T.
Other names: short protein forms G967V.
Identifiers: ClinVar variation 3032861 (VCV003032861.4), dbSNP rs2484734879, ClinGen allele CA368224852.

ClinVar aggregate classification (germline): Likely pathogenic. Review status: criteria provided, single submitter (1 of 4 stars). 2 submissions from 2 submitters: Likely pathogenic (1). 1 of the submissions does not count toward it. Last evaluated 2025-03-18.

Conditions:
COL1A2-related disorder. Also called: COL1A2-related condition; COL1A2-Related Disorders.
Osteogenesis imperfecta type I (OI1). Also called: Lobstein disease; OI, TYPE I; OSTEOGENESIS IMPERFECTA TARDA; OSTEOGENESIS IMPERFECTA WITH BLUE SCLERAE; Osteogenesis imperfecta type 1; Lobstein's Disease. Identifiers: Orphanet 216796, Orphanet 666, MedGen C0023931, MONDO:0008146, OMIM 166200. Disease mechanism: loss of function.
Ehlers-Danlos syndrome, classic type, 1 (EDSCL1). Also called: EDS I; EHLERS-DANLOS SYNDROME, GRAVIS TYPE; EHLERS-DANLOS SYNDROME, SEVERE CLASSIC TYPE; Ehlers-Danlos syndrome, type 1; Ehlers-Danlos Syndrome, Classic Type, COL5A1-Related. Identifiers: MedGen C0268335, MONDO:0019567, OMIM 130000.

Submissions (2):

Labcorp Genetics (formerly Invitae), Labcorp
Classification: Likely pathogenic for Osteogenesis imperfecta type I; Ehlers-Danlos syndrome, classic type, 1. Last evaluated: 2025-03-18. Review status: criteria provided, single submitter. Criteria: Invitae Variant Classification Sherloc (09022015). Collection method: clinical testing. Allele origin: germline.
Comment: This sequence change replaces glycine, which is neutral and non-polar, with valine, which is neutral and non-polar, at codon 967 of the COL1A2 protein (p.Gly967Val). This variant is not present in population databases (gnomAD no frequency). This missense change has been observed in individual(s) with autosomal dominant osteogenesis imperfecta (internal data). ClinVar contains an entry for this variant (Variation ID: 3032861). Invitae Evidence Modeling of protein sequence and biophysical properties (such as structural, functional, and spatial information, amino acid conservation, physicochemical variation, residue mobility, and thermodynamic stability) indicates that this missense variant is expected to disrupt COL1A2 protein function with a positive predictive value of 95%. This variant disrupts the triple helix domain of COL1A2. Glycine residues within the Gly-Xaa-Yaa repeats of the triple helix domain are required for the structure and stability of fibrillar collagens (PMID: 7695699, 8218237, 19344236). In COL1A2, variants affecting these glycine residues are significantly enriched in individuals with disease (PMID: 9016532, 17078022) compared to the general population (ExAC). In summary, the currently available evidence indicates that the variant is pathogenic, but additional data are needed to prove that conclusively. Therefore, this variant has been classified as Likely Pathogenic.

PreventionGenetics, part of Exact Sciences
Classification: Likely pathogenic for COL1A2-related condition. Last evaluated: 2023-10-24. Review status: no assertion criteria provided. Collection method: clinical testing. Allele origin: germline. Not counted in ClinVar's aggregate classification.
Comment: The COL1A2 c.2900G>T variant is predicted to result in the amino acid substitution p.Gly967Val. To our knowledge, this variant has not been reported in the literature or in a large population database, indicating this variant is rare. The p.Gly967 amino acid is located in the conserved Gly-Xaa-Yaa triple helical domain where substitutions of a glycine are usually pathogenic (Marini et al. 2007. PubMed ID: 17078022). This variant is interpreted as likely pathogenic.

Literature cited by the submitters: PubMed 7695699 (cited by Labcorp Genetics (formerly Invitae), Labcorp); PubMed 8218237 (cited by Labcorp Genetics (formerly Invitae), Labcorp); PubMed 19344236 (cited by Labcorp Genetics (formerly Invitae), Labcorp); PubMed 9016532 (cited by Labcorp Genetics (formerly Invitae), Labcorp); PubMed 17078022 (cited by Labcorp Genetics (formerly Invitae), Labcorp).